The following is an entry in ClinVar:

ClinVar aggregate classification (germline): Benign/Likely benign. Review status: criteria provided, multiple submitters, no conflicts (2 of 4 stars). 4 submissions from 4 submitters: Benign (1); Likely benign (2). 1 of the submissions does not count toward it. Last evaluated 2025-12-16.

Conditions:
SERPINC1-related disorder. Also called: SERPINC1-related condition.
Hereditary antithrombin deficiency (AT3D). Also called: Antithrombin deficiency; Reduced antithrombin III activity; Antithrombin III deficiency; Thrombophilia due to antithrombin III deficiency. Identifiers: Orphanet 82, MedGen C0272375, MONDO:0013144, OMIM 613118, HP:0001976.

Allele frequency attached by ClinVar (database versions not stated): TOPMed 0.00037; 1000 Genomes Project 0.00040; gnomAD 0.00045; ESP Exome Variant Server 0.00046; 1000 Genomes Project 30x 0.00047.
gnomAD v4.1: 835 of 1,614,036 alleles (0.052%); highest among the groups gnomAD compares: Non-Finnish European, 0.063%; 2 homozygotes.

Submissions (4):

Labcorp Genetics (formerly Invitae), Labcorp
Classification: Benign for Hereditary antithrombin deficiency. Last evaluated: 2025-12-16. Review status: criteria provided, single submitter. Criteria: Invitae Variant Classification Sherloc (09022015). Collection method: clinical testing. Allele origin: germline.

Blueprint Genetics
Classification: Likely benign. Last evaluated: 2024-07-11. Review status: criteria provided, single submitter. Criteria: ACMG Guidelines, 2015. Collection method: clinical testing. Allele origin: germline.

Illumina Laboratory Services, Illumina
Classification: Likely benign for Hereditary antithrombin deficiency. Last evaluated: 2018-01-13. Review status: criteria provided, single submitter. Criteria: ICSL Variant Classification Criteria 13 December 2019. Collection method: clinical testing. Allele origin: germline.
Comment: This variant was observed in the ICSL laboratory as part of a predisposition screen in an ostensibly healthy population. It had not been previously curated by ICSL or reported in the Human Gene Mutation Database (HGMD: prior to June 1st, 2018), and was therefore a candidate for classification through an automated scoring system. Utilizing variant allele frequency, disease prevalence and penetrance estimates, and inheritance mode, an automated score was calculated to assess if this variant is too frequent to cause the disease. Based on the score and internal cut-off values, a variant classified as likely benign is not then subjected to further curation. The score for this variant resulted in a classification of likely benign for this disease.

PreventionGenetics, part of Exact Sciences
Classification: Likely benign for SERPINC1-related condition. Last evaluated: 2024-06-03. Review status: no assertion criteria provided. Collection method: clinical testing. Allele origin: germline. Not counted in ClinVar's aggregate classification.
Comment: This variant is classified as likely benign based on ACMG/AMP sequence variant interpretation guidelines (Richards et al. 2015 PMID: 25741868, with internal and published modifications).

NM_000488.4(SERPINC1):c.678C>T (p.Thr226=)

Gene: SERPINC1 (serpin family C member 1; minus strand). Cytogenetic location: 1q25.1.
Variant type: single nucleotide variant.
Coding change: c.678C>T on transcript NM_000488.4 (MANE Select); coding-DNA position 678, C replaced by T.
Protein change: p.Thr226=; no amino-acid change (threonine 226 retained).
Molecular consequence: synonymous variant.
Genome position (GRCh38, 1-based): chr1:173,910,838, G>A on the plus strand (C>T on the coding strand, the complement: SERPINC1 is on the minus strand). VCF-style: chr1-173910838-G-A. GRCh37 (hg19) VCF-style: chr1-173879976-G-A.
Other names: c.534C>T, p.Thr178= (NM_001365052.2); c.678C>T, p.Thr226= (NM_001386302.1, NM_001386304.1, NM_001386305.1); c.759C>T, p.Thr253= (NM_001386303.1); c.462C>T, p.Thr154= (NM_001386306.1).
Identifiers: ClinVar variation 219483 (VCV000219483.16), dbSNP rs2227627, ClinGen allele CA350054.